The following is an entry in ClinVar:

ClinVar aggregate classification (germline): Uncertain significance (1 of 4 stars; one submission).

Submission:

Labcorp Genetics (formerly Invitae), Labcorp
Classification: Uncertain significance. Last evaluated: 2022-03-18. Review status: criteria provided, single submitter. Criteria: Invitae Variant Classification Sherloc (09022015). Collection method: clinical testing. Allele origin: germline.
Comment: This variant has not been reported in the literature in individuals affected with ARIH1-related conditions. In summary, the available evidence is currently insufficient to determine the role of this variant in disease. Therefore, it has been classified as a Variant of Uncertain Significance. The frequency data for this variant in the population databases is considered unreliable, as metrics indicate poor data quality at this position in the gnomAD database. This variant, c.84_86dup, results in the insertion of 1 amino acid(s) of the ARIH1 protein (p.Glu28dup), but otherwise preserves the integrity of the reading frame.

NM_005744.5(ARIH1):c.75GGA[5] (p.Glu28_Asp29insGlu)

Gene: ARIH1 (ariadne RBR E3 ubiquitin protein ligase 1; plus strand). Cytogenetic location: 15q24.1.
Variant type: Microsatellite.
Coding change: c.75GGA[5] on transcript NM_005744.5 (MANE Select); five copies in a row of the 3-base unit GGA starting at c.75; the reference has four copies in a row; one copy, 3 bases duplicated.
Protein change: p.Glu28_Asp29insGlu.
Molecular consequence: inframe insertion.
Genome position (GRCh38, 1-based): chr15:72,474,723-72,474,725, GGA duplicated; duplicating any 3 consecutive bases within chr15:72,474,712-72,474,725 gives the same sequence; the position shown is the placement nearest the transcript's 3' end. VCF-style (leftmost placement, unchanged base first): chr15-72474711-C-CGAG. GRCh37 (hg19) VCF-style: chr15-72767052-C-CGAG.
Identifiers: ClinVar variation 2060520 (VCV002060520.4), dbSNP rs143905502, ClinGen allele CA618963020.